The following is an entry in ClinVar:

NM_006914.4(RORB):c.925C>T (p.Arg309Cys)

Gene: RORB (RAR related orphan receptor B; plus strand). Cytogenetic location: 9q21.13.
Variant type: single nucleotide variant.
Coding change: c.925C>T on transcript NM_006914.4 (MANE Select); coding-DNA position 925, C replaced by T.
Protein change: p.Arg309Cys; replaces arginine 309 with cysteine.
Molecular consequence: missense variant.
Genome position (GRCh38, 1-based): chr9:74,665,520, C>T. VCF-style: chr9-74665520-C-T. GRCh37 (hg19) VCF-style: chr9-77280436-C-T.
Other names: c.958C>T, p.Arg320Cys (NM_001365023.1); short protein forms R309C, R320C.
Identifiers: ClinVar variation 3367377 (VCV003367377.3).

ClinVar aggregate classification (germline): Uncertain significance. Review status: criteria provided, multiple submitters, no conflicts (2 of 4 stars). 2 submissions from 2 submitters: Uncertain significance (2). Last evaluated 2025-01-30.

Submissions (2):

Labcorp Genetics (formerly Invitae), Labcorp
Classification: Uncertain significance. Last evaluated: 2025-01-30. Review status: criteria provided, single submitter. Criteria: Invitae Variant Classification Sherloc (09022015). Collection method: clinical testing. Allele origin: germline.
Comment: This sequence change replaces arginine, which is basic and polar, with cysteine, which is neutral and slightly polar, at codon 309 of the RORB protein (p.Arg309Cys). This variant is not present in population databases (gnomAD no frequency). This variant has not been reported in the literature in individuals affected with RORB-related conditions. ClinVar contains an entry for this variant (Variation ID: 3367377). An algorithm developed to predict the effect of missense changes on protein structure and function (PolyPhen-2) suggests that this variant is likely to be disruptive. This variant disrupts the p.Arg309 amino acid residue in RORB. Other variant(s) that disrupt this residue have been determined to be pathogenic (internal data). This suggests that this residue is clinically significant, and that variants that disrupt this residue are likely to be disease-causing. In summary, the available evidence is currently insufficient to determine the role of this variant in disease. Therefore, it has been classified as a Variant of Uncertain Significance.

GeneDx
Classification: Uncertain significance. Last evaluated: 2024-01-04. Review status: criteria provided, single submitter. Criteria: GeneDx Variant Classification Process June 2021. Collection method: clinical testing. Allele origin: germline. Affected: yes.
Comment: Not observed at significant frequency in large population cohorts (gnomAD); In silico analysis supports that this missense variant has a deleterious effect on protein structure/function; Has not been previously published as pathogenic or benign to our knowledge